The following is an entry in ClinVar:

ClinVar aggregate classification (germline): Uncertain significance (1 of 4 stars; one submission).

Allele frequency attached by ClinVar (database versions not stated): gnomAD 0.00001.

Submission:

Labcorp Genetics (formerly Invitae), Labcorp
Classification: Uncertain significance. Last evaluated: 2022-04-30. Review status: criteria provided, single submitter. Criteria: Invitae Variant Classification Sherloc (09022015). Collection method: clinical testing. Allele origin: germline.
Comment: This sequence change replaces leucine, which is neutral and non-polar, with proline, which is neutral and non-polar, at codon 567 of the HPS6 protein (p.Leu567Pro). This variant is not present in population databases (gnomAD no frequency). This variant has not been reported in the literature in individuals affected with HPS6-related conditions. Algorithms developed to predict the effect of missense changes on protein structure and function (SIFT, PolyPhen-2, Align-GVGD) all suggest that this variant is likely to be disruptive. In summary, the available evidence is currently insufficient to determine the role of this variant in disease. Therefore, it has been classified as a Variant of Uncertain Significance.

NM_024747.6(HPS6):c.1700T>C (p.Leu567Pro)

Gene: HPS6 (HPS6 biogenesis of lysosomal organelles complex 2 subunit 3; plus strand). Cytogenetic location: 10q24.32.
Variant type: single nucleotide variant.
Coding change: c.1700T>C on transcript NM_024747.6 (MANE Select); coding-DNA position 1700, T replaced by C.
Protein change: p.Leu567Pro; replaces leucine 567 with proline.
Molecular consequence: missense variant.
Genome position (GRCh38, 1-based): chr10:102,067,174, T>C. VCF-style: chr10-102067174-T-C. GRCh37 (hg19) VCF-style: chr10-103826931-T-C.
Other names: short protein forms L567P.
Identifiers: ClinVar variation 2132095 (VCV002132095.1), dbSNP rs2067977942, ClinGen allele CA377870988.